The following is an entry in ClinVar:

NM_007254.4(PNKP):c.1381A>G (p.Asn461Asp)

Gene: PNKP (polynucleotide kinase 3'-phosphatase; minus strand). Cytogenetic location: 19q13.33.
Variant type: single nucleotide variant.
Coding change: c.1381A>G on transcript NM_007254.4 (MANE Select); coding-DNA position 1381, A replaced by G.
Protein change: p.Asn461Asp; replaces asparagine 461 with aspartic acid.
Molecular consequence: missense variant.
Genome position (GRCh38, 1-based): chr19:49,861,613, T>C on the plus strand (A>G on the coding strand, the complement: PNKP is on the minus strand). VCF-style: chr19-49861613-T-C. GRCh37 (hg19) VCF-style: chr19-50364870-T-C.
Other names: short protein forms N461D.
Identifiers: ClinVar variation 409614 (VCV000409614.16), dbSNP rs775762473, ClinGen allele CA9586444.

ClinVar aggregate classification (germline): Uncertain significance. Review status: criteria provided, multiple submitters, no conflicts (2 of 4 stars). 4 submissions from 4 submitters: Uncertain significance (4). Last evaluated 2026-09-25.

Conditions:
Developmental and epileptic encephalopathy, 12 (DEE12). Identifiers: MedGen C3150988, MONDO:0013389, OMIM 613722.
Inborn genetic diseases. Identifiers: MedGen C0950123, MeSH D030342.
Ataxia - oculomotor apraxia type 4. Identifiers: Orphanet 459033, MedGen C4225397, MONDO:0014557, OMIM 616267.
Microcephaly, seizures, and developmental delay. Identifiers: Orphanet 1934, MedGen C3150667, MONDO:0013254, OMIM 613402.

Allele frequency attached by ClinVar (database versions not stated): TOPMed 0.00005.
gnomAD v4.1: 60 of 1,556,980 alleles (0.0039%); highest among the groups gnomAD compares: Non-Finnish European, 0.005%; no homozygotes.

Submissions (4):

GeneDx
Classification: Uncertain significance. Last evaluated: 2026-09-25. Review status: criteria provided, single submitter. Criteria: GeneDx Variant Classification Process June 2021. Collection method: clinical testing. Allele origin: germline.
Comment: Not observed at significant frequency in large population cohorts (gnomAD); In silico analysis supports that this missense variant has a deleterious effect on protein structure/function; Has not been previously published as pathogenic or benign to our knowledge; This variant is associated with the following publications: (PMID: 22508754)

Labcorp Genetics (formerly Invitae), Labcorp
Classification: Uncertain significance for Developmental and epileptic encephalopathy, 12. Last evaluated: 2024-10-16. Review status: criteria provided, single submitter. Criteria: Invitae Variant Classification Sherloc (09022015). Collection method: clinical testing. Allele origin: germline.
Comment: This sequence change replaces asparagine, which is neutral and polar, with aspartic acid, which is acidic and polar, at codon 461 of the PNKP protein (p.Asn461Asp). This variant is present in population databases (rs775762473, gnomAD 0.006%). This variant has not been reported in the literature in individuals affected with PNKP-related conditions. ClinVar contains an entry for this variant (Variation ID: 409614). Invitae Evidence Modeling of protein sequence and biophysical properties (such as structural, functional, and spatial information, amino acid conservation, physicochemical variation, residue mobility, and thermodynamic stability) indicates that this missense variant is not expected to disrupt PNKP protein function with a negative predictive value of 80%. In summary, the available evidence is currently insufficient to determine the role of this variant in disease. Therefore, it has been classified as a Variant of Uncertain Significance.

Ambry Genetics
Classification: Uncertain significance for Inborn genetic diseases. Last evaluated: 2023-02-15. Review status: criteria provided, single submitter. Criteria: Ambry Variant Classification Scheme 2023. Collection method: clinical testing. Allele origin: germline.

Fulgent Genetics
Classification: Uncertain significance for Microcephaly, seizures, and developmental delay; Ataxia - oculomotor apraxia type 4. Last evaluated: 2018-10-31. Review status: criteria provided, single submitter. Criteria: ACMG Guidelines, 2015. Collection method: clinical testing. Allele origin: unknown.